The following is an entry in ClinVar:

ClinVar aggregate classification (germline): Likely benign. Review status: criteria provided, single submitter (1 of 4 stars). 2 submissions from 2 submitters: Likely benign (1). 1 of the submissions does not count toward it. Last evaluated 2026-02-01.

Conditions:
B4GAT1-related disorder. Also called: B4GAT1-related condition.
Muscular dystrophy-dystroglycanopathy (congenital with brain and eye anomalies), type A13. Also called: Muscular dystrophy-dystroglycanopathy (congenital with brain and eye anomalies), type a, 13; WALKER-WARBURG SYNDROME OR MUSCLE-EYE-BRAIN DISEASE, B3GNT1-RELATED. Identifiers: Orphanet 899, MedGen C3809042, MONDO:0014120, OMIM 615287.

Allele frequency attached by ClinVar (database versions not stated): gnomAD 0.00011 and 0.00013; TOPMed 0.00013; 1000 Genomes Project 30x 0.00016; 1000 Genomes Project 0.00020; gnomAD exomes 0.00029; ExAC 0.00071.
gnomAD v4.1: 216 of 1,585,632 alleles (0.014%); highest among the groups gnomAD compares: East Asian, 0.32%; no homozygotes.

Submissions (2):

Labcorp Genetics (formerly Invitae), Labcorp
Classification: Likely benign for Muscular dystrophy-dystroglycanopathy (congenital with brain and eye anomalies), type A13. Last evaluated: 2026-02-01. Review status: criteria provided, single submitter. Criteria: Invitae Variant Classification Sherloc (09022015). Collection method: clinical testing. Allele origin: germline.

PreventionGenetics, part of Exact Sciences
Classification: Likely benign for B4GAT1-related condition. Last evaluated: 2023-03-21. Review status: no assertion criteria provided. Collection method: clinical testing. Allele origin: germline. Not counted in ClinVar's aggregate classification.
Comment: This variant is classified as likely benign based on ACMG/AMP sequence variant interpretation guidelines (Richards et al. 2015 PMID: 25741868, with internal and published modifications).

NM_006876.3(B4GAT1):c.152C>T (p.Pro51Leu)

Gene: B4GAT1 (beta-1,4-glucuronyltransferase 1; minus strand). Cytogenetic location: 11q13.2.
Variant type: single nucleotide variant.
Coding change: c.152C>T on transcript NM_006876.3 (MANE Select); coding-DNA position 152, C replaced by T.
Protein change: p.Pro51Leu; replaces proline 51 with leucine.
Molecular consequence: missense variant.
Genome position (GRCh38, 1-based): chr11:66,347,394, G>A on the plus strand (C>T on the coding strand, the complement: B4GAT1 is on the minus strand). VCF-style: chr11-66347394-G-A. GRCh37 (hg19) VCF-style: chr11-66114865-G-A.
Other names: short protein forms P51L.
Identifiers: ClinVar variation 704726 (VCV000704726.13), dbSNP rs531686913, ClinGen allele CA6120596.
Genomic context (GRCh38, chr11:66,347,394, plus strand): 5'-CCTCCAGAGGCCAGCGCGGTGCGGAGCTGCGCCTTGACCTGGTCCACGGACCGTGGGGAC[G>A]GGGGAAAGAACTCAAAATATTGGTCTTGCTCCTCCTGCCCGTGCAGTCCGGACAGCAGCG-3'
Protein context (NP_006867.1, residues 41-61): EQDQYFEFFP[Pro51Leu]SPRSVDQVKA